The following is an entry in ClinVar:

NM_006035.4(CDC42BPB):c.3473C>T (p.Ser1158Leu)

Gene: CDC42BPB (CDC42 binding protein kinase beta; minus strand). Cytogenetic location: 14q32.32.
Variant type: single nucleotide variant.
Coding change: c.3473C>T on transcript NM_006035.4 (MANE Select); coding-DNA position 3473, C replaced by T.
Protein change: p.Ser1158Leu; replaces serine 1158 with leucine.
Molecular consequence: missense variant.
Genome position (GRCh38, 1-based): chr14:102,947,779, G>A on the plus strand (C>T on the coding strand, the complement: CDC42BPB is on the minus strand). VCF-style: chr14-102947779-G-A. GRCh37 (hg19) VCF-style: chr14-103414116-G-A.
Other names: c.3395C>T, p.Ser1132Leu (NM_001411054.1); short protein forms S1132L, S1158L.
Identifiers: ClinVar variation 2579875 (VCV002579875.2), dbSNP rs2542778294, ClinGen allele CA391078214.

ClinVar aggregate classification (germline): Uncertain significance (1 of 4 stars; one submission).

Submission:

GeneDx
Classification: Uncertain significance. Last evaluated: 2025-05-05. Review status: criteria provided, single submitter. Criteria: GeneDx Variant Classification Process June 2021. Collection method: clinical testing. Allele origin: germline.
Comment: Not observed at significant frequency in large population cohorts (gnomAD); In silico analysis supports that this missense variant has a deleterious effect on protein structure/function; Has not been previously published as pathogenic or benign to our knowledge